The following is an entry in ClinVar:

ClinVar aggregate classification (germline): Conflicting classifications of pathogenicity. Review status: criteria provided, conflicting classifications (1 of 4 stars). 8 submissions from 8 submitters: Uncertain significance (5); Likely benign (2). 1 of the submissions does not count toward it. Last evaluated 2026-01-20.

Conditions:
Ectopia lentis 1, isolated, autosomal dominant (ECTOL1). Identifiers: Orphanet 1885, MedGen C3541518, MONDO:0007514, OMIM 129600.
Marfan syndrome (MFS). Also called: MARFAN SYNDROME, TYPE I; FBN1-Related Marfan Syndrome; Marfan syndrome, classic; Marfan syndrome type 1; Marfan's syndrome. Identifiers: Orphanet 284963, Orphanet 558, MedGen C0024796, MONDO:0007947, OMIM 154700.
Acromicric dysplasia (ACMICD). Also called: Acromicric skeletal dysplasia. Identifiers: Orphanet 969, MedGen C0265287, MONDO:0007055, OMIM 102370.
Geleophysic dysplasia 2 (GPHYSD2). Identifiers: Orphanet 2623, MedGen C3280054, MONDO:0013612, OMIM 614185.
MASS syndrome (OCTD). Also called: OVERLAP CONNECTIVE TISSUE DISEASE; MASS PHENOTYPE. Identifiers: MedGen C1858556, MONDO:0011431, OMIM 604308.
Stiff skin syndrome (SSKS). Identifiers: Orphanet 2833, MedGen C1861456, MONDO:0008492, OMIM 184900.
Weill-Marchesani syndrome 2, dominant. Also called: FBN1-Related Weill-Marchesani Syndrome; Weill-Marchesani Syndrome, Autosomal Dominant. Identifiers: Orphanet 2084, MedGen C1869115, MONDO:0012013, OMIM 608328.
Progeroid and marfanoid aspect-lipodystrophy syndrome. Also called: MARFANOID-PROGEROID-LIPODYSTROPHY SYNDROME; MARFANOID-PROGEROID SYNDROME; MARFAN-PROGEROID-LIPODYSTROPHY SYNDROME; Marfan lipodystrophy syndrome. Identifiers: Orphanet 300382, MedGen C4310796, MONDO:0014831, OMIM 616914.
Familial thoracic aortic aneurysm and aortic dissection (TAAD). Also called: Thoracic aortic aneurysms and dissections. Identifiers: Orphanet 91387, MedGen C4707243, MONDO:0019625.
FBN1-related disorder. Also called: FBN1-related disorders.

Allele frequency attached by ClinVar (database versions not stated): gnomAD exomes 0.00003 and 0.00011; TOPMed 0.00006; ExAC 0.00007; gnomAD 0.00001 and 0.00002; ESP Exome Variant Server 0.00008.

Submissions (8):

Labcorp Genetics (formerly Invitae), Labcorp
Classification: Likely benign for Marfan syndrome; Familial thoracic aortic aneurysm and aortic dissection. Last evaluated: 2026-01-20. Review status: criteria provided, single submitter. Criteria: Invitae Variant Classification Sherloc (09022015). Collection method: clinical testing. Allele origin: germline.

GeneDx
Classification: Uncertain significance. Last evaluated: 2025-04-07. Review status: criteria provided, single submitter. Criteria: GeneDx Variant Classification Process June 2021. Collection method: clinical testing. Allele origin: germline.
Comment: Has not been previously published as pathogenic or benign to our knowledge; In silico analysis indicates that this missense variant does not alter protein structure/function; This variant is associated with the following publications: (PMID: 12938084)

Color Diagnostics, LLC DBA Color Health
Classification: Likely benign for Familial thoracic aortic aneurysm and aortic dissection. Last evaluated: 2024-06-12. Review status: criteria provided, single submitter. Criteria: ACMG Guidelines, 2015. Collection method: clinical testing. Allele origin: germline.

All of Us Research Program, National Institutes of Health
Classification: Uncertain significance for Marfan syndrome. Last evaluated: 2024-02-05. Review status: criteria provided, single submitter. Criteria: ACMG Guidelines, 2015. Collection method: clinical testing. Allele origin: germline. Inheritance: Autosomal dominant inheritance. Observed: 12 variant alleles, 12 heterozygotes.
Comment: This missense variant replaces arginine with glutamine at codon 2730 of the FBN1 protein. Computational prediction is inconclusive regarding the impact of this variant on protein structure and function (internally defined REVEL score threshold 0.5 < inconclusive < 0.7, PMID: 27666373). To our knowledge, functional studies have not been performed for this variant. This variant has not been reported in individuals affected with cardiovascular disorders in the literature. This variant has been identified in 29/282838 chromosomes (23/35440 Latino chromosomes) in the general population by the Genome Aggregation Database (gnomAD). The available evidence is insufficient to determine the role of this variant in disease conclusively. Therefore, this variant is classified as a Variant of Uncertain Significance.

This study involves interpretation of variants in research participants for the purpose of population health screening. Participant phenotype was not available at the time of variant classification. Additional details can be found in publication PMID: 35346344, PMCID: PMC8962531

Fulgent Genetics
Classification: Uncertain significance for Acromicric dysplasia; Ectopia lentis 1, isolated, autosomal dominant; Marfan syndrome; Stiff skin syndrome; MASS syndrome; Weill-Marchesani syndrome 2, dominant; Geleophysic dysplasia 2; Progeroid and marfanoid aspect-lipodystrophy syndrome. Last evaluated: 2021-10-14. Review status: criteria provided, single submitter. Criteria: ACMG Guidelines, 2015. Collection method: clinical testing. Allele origin: unknown.

Ambry Genetics
Classification: Uncertain significance for Familial thoracic aortic aneurysm and aortic dissection. Last evaluated: 2015-05-25. Review status: criteria provided, single submitter. Criteria: Ambry Variant Classification Scheme 2023. Collection method: clinical testing. Allele origin: germline.
Comment: The p.R2730Q variant (also known as c.8189G>A), located in coding exon 64 of the FBN1 gene, results from a G to A substitution at nucleotide position 8189. The arginine at codon 2730 is replaced by glutamine, an amino acid with highly similar properties. This variant was previously reported in the SNPDatabase as rs200231626. Based on data from the NHLBI Exome Sequencing Project (ESP), the A allele has an overall frequency of approximately 0.01% (1/12988) total alleles studied and 0.01% (1/8592) European American alleles. This variant was not reported in population-based cohorts in the 1000 Genomes Project. This amino acid position is highly conserved in available vertebrate species. In addition, the in silico prediction for this alteration is inconclusive. Since supporting evidence is limited at this time, the clinical significance of p.R2730Q remains unclear.

Center for Genomics, Ann and Robert H. Lurie Children's Hospital of Chicago
Classification: Uncertain significance for Geleophysic dysplasia 2; Weill-Marchesani syndrome 2, dominant; Ectopia lentis 1, isolated, autosomal dominant; MASS syndrome; Progeroid and marfanoid aspect-lipodystrophy syndrome; Acromicric dysplasia; Marfan syndrome; Stiff skin syndrome. Review status: criteria provided, single submitter. Criteria: ACMG Guidelines, 2015. Collection method: clinical testing. Allele origin: germline.
Comment: This variant has not been reported in the literature but is present in the Genome Aggregation Database (Highest reported MAF: 0.065% [23/35540]), and in ClinVar (Variation ID: 264033). Evolutionary conservation and computational prediction tools are unclear for this variant. In summary, data on this variant is insufficient for disease classification. Therefore, the clinical significance of this variant is uncertain.

PreventionGenetics, part of Exact Sciences
Classification: Likely benign for FBN1-related condition. Last evaluated: 2024-03-25. Review status: no assertion criteria provided. Collection method: clinical testing. Allele origin: germline. Not counted in ClinVar's aggregate classification.
Comment: This variant is classified as likely benign based on ACMG/AMP sequence variant interpretation guidelines (Richards et al. 2015 PMID: 25741868, with internal and published modifications).

NM_000138.5(FBN1):c.8189G>A (p.Arg2730Gln)

Gene: FBN1 (fibrillin 1; minus strand). Cytogenetic location: 15q21.1.
Variant type: single nucleotide variant.
Coding change: c.8189G>A on transcript NM_000138.5 (MANE Select); coding-DNA position 8189, G replaced by A.
Protein change: p.Arg2730Gln; replaces arginine 2730 with glutamine.
Molecular consequence: missense variant.
Genome position (GRCh38, 1-based): chr15:48,412,606, C>T on the plus strand (G>A on the coding strand, the complement: FBN1 is on the minus strand). VCF-style: chr15-48412606-C-T. GRCh37 (hg19) VCF-style: chr15-48704803-C-T.
Other names: short protein forms R2730Q.
Identifiers: ClinVar variation 264033 (VCV000264033.24), dbSNP rs200231626, ClinGen allele CA059742.